The following is an entry in ClinVar:

ClinVar aggregate classification (germline): Uncertain significance. Review status: criteria provided, multiple submitters, no conflicts (2 of 4 stars). 2 submissions from 2 submitters: Uncertain significance (2). Last evaluated 2026-04-30.

Conditions:
Arrhythmogenic cardiomyopathy with wooly hair and keratoderma. Also called: Dilated cardiomyopathy with woolly hair and keratoderma; Arrhythmogenic cardiomyopathy with woolly hair and keratoderma; PALMOPLANTAR KERATODERMA WITH LEFT VENTRICULAR CARDIOMYOPATHY AND WOOLLY HAIR; Carvajal syndrome. Identifiers: Orphanet 65282, MedGen C1854063, MONDO:0011581, OMIM 605676.
Arrhythmogenic right ventricular dysplasia 8 (ARVD8). Also called: Arrhythmogenic Right Ventricular Dysplasia/Cardiomyopathy 8; ARRHYTHMOGENIC RIGHT VENTRICULAR DYSPLASIA, FAMILIAL, 8; ARRHYTHMOGENIC RIGHT VENTRICULAR CARDIOMYOPATHY 8. Identifiers: MedGen C1843896, MONDO:0011831, OMIM 607450.
Cardiovascular phenotype. Identifiers: MedGen CN230736.

Submissions (2):

Ambry Genetics
Classification: Uncertain significance for Cardiovascular phenotype. Last evaluated: 2026-04-30. Review status: criteria provided, single submitter. Criteria: Ambry Variant Classification Scheme 2023. Collection method: clinical testing. Allele origin: germline.
Comment: The p.I2073V variant (also known as c.6217A>G), located in coding exon 24 of the DSP gene, results from an A to G substitution at nucleotide position 6217. The isoleucine at codon 2073 is replaced by valine, an amino acid with highly similar properties. This amino acid position is conserved. In addition, this alteration is predicted to be tolerated by in silico analysis. Based on the available evidence, the clinical significance of this variant remains unclear.

Labcorp Genetics (formerly Invitae), Labcorp
Classification: Uncertain significance for Arrhythmogenic cardiomyopathy with wooly hair and keratoderma; Arrhythmogenic right ventricular dysplasia 8. Last evaluated: 2025-03-30. Review status: criteria provided, single submitter. Criteria: Invitae Variant Classification Sherloc (09022015). Collection method: clinical testing. Allele origin: germline.
Comment: This sequence change replaces isoleucine, which is neutral and non-polar, with valine, which is neutral and non-polar, at codon 2073 of the DSP protein (p.Ile2073Val). This variant is not present in population databases (gnomAD no frequency). This variant has not been reported in the literature in individuals affected with DSP-related conditions. An algorithm developed to predict the effect of missense changes on protein structure and function outputs the following: PolyPhen-2: "Benign". The valine amino acid residue is found in multiple mammalian species, which suggests that this missense change does not adversely affect protein function. In summary, the available evidence is currently insufficient to determine the role of this variant in disease. Therefore, it has been classified as a Variant of Uncertain Significance.

NM_004415.4(DSP):c.6217A>G (p.Ile2073Val)

Gene: DSP (desmoplakin; plus strand). Cytogenetic location: 6p24.3.
Variant type: single nucleotide variant.
Coding change: c.6217A>G on transcript NM_004415.4 (MANE Select); coding-DNA position 6217, A replaced by G.
Protein change: p.Ile2073Val; replaces isoleucine 2073 with valine.
Molecular consequence: missense variant.
Genome position (GRCh38, 1-based): chr6:7,583,479, A>G. VCF-style: chr6-7583479-A-G. GRCh37 (hg19) VCF-style: chr6-7583712-A-G.
Other names: c.4420A>G, p.Ile1474Val (NM_001008844.3); c.4888A>G, p.Ile1630Val (NM_001319034.2); short protein forms I1474V, I1630V, I2073V.
Identifiers: ClinVar variation 4784583 (VCV004784583.2).
Genomic context (GRCh38, chr6:7,583,479, plus strand): 5'-GCAGCTACAGGTGGTATAATTGATCCCCATCGGAATGAGAAGCTGACTGTCGACAGTGCC[A>G]TAGCTCGGGACCTCATTGACTTCGATGACCGTCAGCAGATATATGCAGCAGAAAAAGCTA-3'
Protein context (NP_004406.2, residues 2063-2083): RNEKLTVDSA[Ile2073Val]ARDLIDFDDR